The following is an entry in ClinVar:

NM_004100.5(EYA4):c.1042G>C (p.Gly348Arg)

Gene: EYA4 (EYA transcriptional coactivator and phosphatase 4; plus strand). Cytogenetic location: 6q23.2.
Variant type: single nucleotide variant.
Coding change: c.1042G>C on transcript NM_004100.5 (MANE Select); coding-DNA position 1042, G replaced by C.
Protein change: p.Gly348Arg; replaces glycine 348 with arginine.
Molecular consequence: missense variant.
Genome position (GRCh38, 1-based): chr6:133,481,534, G>C. VCF-style: chr6-133481534-G-C. GRCh37 (hg19) VCF-style: chr6-133802672-G-C.
Other names: c.880G>C, p.Gly294Arg (NM_001301012.2); c.1060G>C, p.Gly354Arg (NM_001301013.2); c.973G>C, p.Gly325Arg (NM_001370458.1, NM_172103.4); c.898G>C, p.Gly300Arg (NM_001370459.1); c.1042G>C, p.Gly348Arg (NM_172105.4); short protein forms G348R, G294R, G325R, G354R, G300R.
Identifiers: ClinVar variation 519072 (VCV000519072.17), dbSNP rs1279116848, ClinGen allele CA365706449.
Genomic context (GRCh38, chr6:133,481,534, plus strand): 5'-ACCATGCAGAGTCCCTCCACACCCATCAAAGATCTTGATGAGAGAACCTGTAGGAGTTCT[G>C]GGTCAAAGTCCAGAGGAAGAGGCCGGAAAAATAATCCCTCCCCGCCTCCTGATAGTGACC-3'
Protein context (NP_004091.3, residues 338-358): DLDERTCRSS[Gly348Arg]SKSRGRGRKN

ClinVar aggregate classification (germline): Uncertain significance. Review status: criteria provided, multiple submitters, no conflicts (2 of 4 stars). 3 submissions from 3 submitters: Uncertain significance (3). Last evaluated 2025-11-27.

Conditions:
Cardiovascular phenotype. Identifiers: MedGen CN230736.
Dilated cardiomyopathy 1J (CMD1J). Also called: CARDIOMYOPATHY, DILATED, WITH SENSORINEURAL HEARING LOSS, AUTOSOMAL DOMINANT. Identifiers: Orphanet 217622, MedGen C1854368, MONDO:0011541, OMIM 605362.

Allele frequency attached by ClinVar (database versions not stated): gnomAD exomes below 0.00001 and 0.00001; TOPMed below 0.00001.
gnomAD v4.1: 3 of 1,613,966 alleles (0.00019%); highest among the groups gnomAD compares: Admixed American, 0.0017%; no homozygotes.

Submissions (3):

Labcorp Genetics (formerly Invitae), Labcorp
Classification: Uncertain significance for Dilated cardiomyopathy 1J. Last evaluated: 2025-11-27. Review status: criteria provided, single submitter. Criteria: Invitae Variant Classification Sherloc (09022015). Collection method: clinical testing. Allele origin: germline.
Comment: This sequence change replaces glycine, which is neutral and non-polar, with arginine, which is basic and polar, at codon 348 of the EYA4 protein (p.Gly348Arg). This variant is present in population databases (no rsID available, gnomAD 0.003%). This variant has not been reported in the literature in individuals affected with EYA4-related conditions. ClinVar contains an entry for this variant (Variation ID: 519072). An algorithm developed to predict the effect of missense changes on protein structure and function (PolyPhen-2) suggests that this variant is likely to be disruptive. In summary, the available evidence is currently insufficient to determine the role of this variant in disease. Therefore, it has been classified as a Variant of Uncertain Significance.

GeneDx
Classification: Uncertain significance. Last evaluated: 2024-02-27. Review status: criteria provided, single submitter. Criteria: GeneDx Variant Classification Process June 2021. Collection method: clinical testing. Allele origin: germline. Affected: yes.
Comment: Has not been previously published as pathogenic or benign to our knowledge; Not observed at a significant frequency in large population cohorts (gnomAD); In silico analysis supports that this missense variant does not alter protein structure/function

Ambry Genetics
Classification: Uncertain significance for Cardiovascular phenotype. Last evaluated: 2023-01-01. Review status: criteria provided, single submitter. Criteria: Ambry Variant Classification Scheme 2023. Collection method: clinical testing. Allele origin: germline.
Comment: The p.G348R variant (also known as c.1042G>C), located in coding exon 11 of the EYA4 gene, results from a G to C substitution at nucleotide position 1042. The glycine at codon 348 is replaced by arginine, an amino acid with dissimilar properties. This amino acid position is highly conserved in available vertebrate species. In addition, this alteration is predicted to be deleterious by in silico analysis. Since supporting evidence is limited at this time, the clinical significance of this alteration remains unclear.